The following is an entry in ClinVar:

ClinVar aggregate classification (germline): Uncertain significance (1 of 4 stars; one submission).

Allele frequency attached by ClinVar (database versions not stated): gnomAD exomes 0.00001.

Submission:

Labcorp Genetics (formerly Invitae), Labcorp
Classification: Uncertain significance. Last evaluated: 2024-04-10. Review status: criteria provided, single submitter. Criteria: Invitae Variant Classification Sherloc (09022015). Collection method: clinical testing. Allele origin: germline.
Comment: This sequence change replaces cysteine, which is neutral and slightly polar, with tryptophan, which is neutral and slightly polar, at codon 459 of the ATP1A1 protein (p.Cys459Trp). This variant is not present in population databases (gnomAD no frequency). This variant has not been reported in the literature in individuals affected with ATP1A1-related conditions. ClinVar contains an entry for this variant (Variation ID: 1487876). Advanced modeling of protein sequence and biophysical properties (such as structural, functional, and spatial information, amino acid conservation, physicochemical variation, residue mobility, and thermodynamic stability) performed at Invitae indicates that this missense variant is not expected to disrupt ATP1A1 protein function with a negative predictive value of 80%. In summary, the available evidence is currently insufficient to determine the role of this variant in disease. Therefore, it has been classified as a Variant of Uncertain Significance.

NM_000701.8(ATP1A1):c.1377C>G (p.Cys459Trp)

Genes: ATP1A1 (ATPase Na+/K+ transporting subunit alpha 1; plus strand), ATP1A1-AS1 (ATP1A1 antisense RNA 1; minus strand). Cytogenetic location: 1p13.1.
Variant type: single nucleotide variant.
Coding change: c.1377C>G on transcript NM_000701.8 (MANE Select); coding-DNA position 1377, C replaced by G.
Protein change: p.Cys459Trp; replaces cysteine 459 with tryptophan.
Molecular consequence: missense variant. On other transcripts: non-coding transcript variant (1).
Genome position (GRCh38, 1-based): chr1:116,392,898, C>G. VCF-style: chr1-116392898-C-G. GRCh37 (hg19) VCF-style: chr1-116935520-C-G.
Other names: c.1377C>G, p.Cys459Trp (NM_001160233.2); c.1284C>G, p.Cys428Trp (NM_001160234.2); short protein forms C428W, C459W.
Identifiers: ClinVar variation 1487876 (VCV001487876.8), dbSNP rs1652582811, ClinGen allele CA341770334.